The following is an entry in ClinVar:

ClinVar aggregate classification (germline): Uncertain significance. Review status: criteria provided, multiple submitters, no conflicts (2 of 4 stars). 2 submissions from 2 submitters: Uncertain significance (2). Last evaluated 2022-07-11.

gnomAD v4.1: 32 of 1,613,906 alleles (0.002%); highest among the groups gnomAD compares: Middle Eastern, 0.016%; no homozygotes.

Submissions (2):

Labcorp Genetics (formerly Invitae), Labcorp
Classification: Uncertain significance. Last evaluated: 2022-07-11. Review status: criteria provided, single submitter. Criteria: Invitae Variant Classification Sherloc (09022015). Collection method: clinical testing. Allele origin: germline.
Comment: This sequence change replaces arginine, which is basic and polar, with tryptophan, which is neutral and slightly polar, at codon 3131 of the SZT2 protein (p.Arg3131Trp). This variant is present in population databases (rs758178091, gnomAD 0.006%). This variant has not been reported in the literature in individuals affected with SZT2-related conditions. ClinVar contains an entry for this variant (Variation ID: 1019562). Algorithms developed to predict the effect of missense changes on protein structure and function are either unavailable or do not agree on the potential impact of this missense change (SIFT: "Deleterious"; PolyPhen-2: "Probably Damaging"; Align-GVGD: "Class C15"). Algorithms developed to predict the effect of sequence changes on RNA splicing suggest that this variant may disrupt the consensus splice site. In summary, the available evidence is currently insufficient to determine the role of this variant in disease. Therefore, it has been classified as a Variant of Uncertain Significance.

Blueprint Genetics
Classification: Uncertain significance. Last evaluated: 2021-02-05. Review status: criteria provided, single submitter. Criteria: ACMG Guidelines, 2015. Collection method: clinical testing. Allele origin: germline.

NM_001365999.1(SZT2):c.9562C>T (p.Arg3188Trp)

Genes: SZT2 (SZT2 subunit of KICSTOR complex; plus strand), SZT2-AS1 (SZT2 antisense RNA 1; minus strand). Cytogenetic location: 1p34.2.
Variant type: single nucleotide variant.
Coding change: c.9562C>T on transcript NM_001365999.1 (MANE Select); coding-DNA position 9562, C replaced by T.
Protein change: p.Arg3188Trp; replaces arginine 3188 with tryptophan.
Molecular consequence: missense variant.
Genome position (GRCh38, 1-based): chr1:43,447,970, C>T. VCF-style: chr1-43447970-C-T. GRCh37 (hg19) VCF-style: chr1-43913641-C-T.
Other names: c.9391C>T, p.Arg3131Trp (NM_015284.4); short protein forms R3131W, R3188W.
Identifiers: ClinVar variation 1019562 (VCV001019562.7), dbSNP rs758178091, ClinGen allele CA810945.
Genomic context (GRCh38, chr1:43,447,970, plus strand): 5'-CTTGTCTGTCACTGTGCTGCACCCTTTGAGGAGCAAGGAGAGGCTGAGCGGCACGTTCTG[C>T]GGTCAGCAGATCCCCTACCTTGAACATGCCCATTTCCCAGCCTGCCCCACCCTGCCCTGT-3'
Protein context (NP_001352928.1, residues 3178-3198): EQGEAERHVL[Arg3188Trp]LQFFVVLTSQ